The following is an entry in ClinVar:

NM_005188.4(CBL):c.488C>T (p.Ala163Val)

Gene: CBL (Cbl proto-oncogene; plus strand). Cytogenetic location: 11q23.3.
Variant type: single nucleotide variant.
Coding change: c.488C>T on transcript NM_005188.4 (MANE Select); coding-DNA position 488, C replaced by T.
Protein change: p.Ala163Val; replaces alanine 163 with valine.
Molecular consequence: missense variant.
Genome position (GRCh38, 1-based): chr11:119,271,779, C>T. VCF-style: chr11-119271779-C-T. GRCh37 (hg19) VCF-style: chr11-119142489-C-T.
Other names: c.488C>T (NM_005188.2); short protein forms A163V.
Identifiers: ClinVar variation 3634379 (VCV003634379.3).

ClinVar aggregate classification (germline): Uncertain significance. Review status: criteria provided, multiple submitters, no conflicts (2 of 4 stars). 2 submissions from 2 submitters: Uncertain significance (2). Last evaluated 2026-03-24.

Conditions:
RASopathy. Also called: Noonan spectrum disorder; rasopathies. Identifiers: Orphanet 536391, MedGen C5555857, MONDO:0021060.
Cardiovascular phenotype. Identifiers: MedGen CN230736.

gnomAD v4.1: 3 of 1,613,924 alleles (0.00019%); highest among the groups gnomAD compares: Admixed American, 0.0017%; no homozygotes.

Submissions (2):

Ambry Genetics
Classification: Uncertain significance for Cardiovascular phenotype. Last evaluated: 2026-03-24. Review status: criteria provided, single submitter. Criteria: Ambry Variant Classification Scheme 2023. Collection method: clinical testing. Allele origin: germline.
Comment: The p.A163V variant (also known as c.488C>T), located in coding exon 3 of the CBL gene, results from a C to T substitution at nucleotide position 488. The alanine at codon 163 is replaced by valine, an amino acid with similar properties. This amino acid position is conserved. In addition, this alteration is predicted to be deleterious by in silico analysis. Based on the available evidence, the clinical significance of this variant remains unclear.

Labcorp Genetics (formerly Invitae), Labcorp
Classification: Uncertain significance for RASopathy. Last evaluated: 2025-05-04. Review status: criteria provided, single submitter. Criteria: Invitae Variant Classification Sherloc (09022015). Collection method: clinical testing. Allele origin: germline.
Comment: This sequence change replaces alanine, which is neutral and non-polar, with valine, which is neutral and non-polar, at codon 163 of the CBL protein (p.Ala163Val). This variant is present in population databases (rs761864498, gnomAD 0.003%). This variant has not been reported in the literature in individuals affected with CBL-related conditions. ClinVar contains an entry for this variant (Variation ID: 3634379). Invitae Evidence Modeling of protein sequence and biophysical properties (such as structural, functional, and spatial information, amino acid conservation, physicochemical variation, residue mobility, and thermodynamic stability) has been performed for this missense variant. However, the output from this modeling did not meet the statistical confidence thresholds required to predict the impact of this variant on CBL protein function. In summary, the available evidence is currently insufficient to determine the role of this variant in disease. Therefore, it has been classified as a Variant of Uncertain Significance.